The following continues an entry in ClinVar:

NM_001267550.2(TTN):c.90638T>C (p.Ile30213Thr)

ClinVar aggregate classification (germline): Benign/Likely benign. Benign (18); Likely benign (4).

Submissions 17 to 27 of 27:

CHEO Genetics Diagnostic Laboratory, Children's Hospital of Eastern Ontario
Classification: Benign for Cardiomyopathy. Last evaluated: 2016-11-09. Review status: criteria provided, single submitter. Criteria: ACMG Guidelines, 2015. Collection method: clinical testing. Allele origin: germline. Study: Canadian Open Genetics Repository.

Mayo Clinic Laboratories, Mayo Clinic
Classification: Benign. Last evaluated: 2016-02-04. Review status: criteria provided, single submitter. Criteria: ACMG Guidelines, 2015. Collection method: clinical testing. Allele origin: germline. Observed: 10 variant alleles.

GeneDx
Classification: Benign. Last evaluated: 2014-04-07. Review status: criteria provided, single submitter. Criteria: GeneDx Variant Classification (06012015). Collection method: clinical testing. Allele origin: germline. Affected: yes.
Comment: This variant is considered likely benign or benign based on one or more of the following criteria: it is a conservative change, it occurs at a poorly conserved position in the protein, it is predicted to be benign by multiple in silico algorithms, and/or has population frequency not consistent with disease.

Laboratory for Molecular Medicine, Mass General Brigham Personalized Medicine
Classification: Benign. Last evaluated: 2013-08-11. Review status: criteria provided, single submitter. Criteria: LMM Criteria. Collection method: clinical testing. Allele origin: germline. Observed: 15 variant alleles.
Comment: Ile27645Thr in exon 284 of TTN: This variant is not expected to have clinical si gnificance because it has been identified in 2% (75/3932) of African American ch romosomes from a broad population by the NHLBI Exome Sequencing Project (dbSNP rs114026724).

Ambry Genetics
Classification: Benign for Cardiovascular phenotype. Last evaluated: 2013-07-22. Review status: criteria provided, single submitter. Criteria: Ambry Autosomal Dominant and X-Linked criteria (10/2015). Collection method: clinical testing. Allele origin: germline. Observed: 1 variant allele.

Breakthrough Genomics
Classification: Likely benign. Review status: criteria provided, single submitter. Criteria: ACMG Guidelines, 2015. Collection method: not provided. Allele origin: germline. Inheritance: Autosomal recessive inheritance. Affected: yes.

PreventionGenetics, part of Exact Sciences
Classification: Benign for TTN-related condition. Last evaluated: 2019-05-22. Review status: no assertion criteria provided. Collection method: clinical testing. Allele origin: germline. Not counted in ClinVar's aggregate classification.
Comment: This variant is classified as benign based on ACMG/AMP sequence variant interpretation guidelines (Richards et al. 2015 PMID: 25741868, with internal and published modifications).

Clinical Genetics DNA and cytogenetics Diagnostics Lab, Erasmus MC, Erasmus Medical Center
Classification: Benign. Review status: no assertion criteria provided. Collection method: clinical testing. Allele origin: germline. Affected: yes. Study: VKGL Data-share Consensus. Not counted in ClinVar's aggregate classification.

Clinical Genetics, Academic Medical Center
Classification: Benign. Review status: no assertion criteria provided. Collection method: clinical testing. Allele origin: germline. Affected: yes. Study: VKGL Data-share Consensus. Not counted in ClinVar's aggregate classification.

Joint Genome Diagnostic Labs from Nijmegen and Maastricht, Radboudumc and MUMC+
Classification: Benign. Review status: no assertion criteria provided. Collection method: clinical testing. Allele origin: germline. Affected: yes. Study: VKGL Data-share Consensus. Not counted in ClinVar's aggregate classification.

Laboratory of Diagnostic Genome Analysis, Leiden University Medical Center (LUMC)
Classification: Likely benign. Review status: no assertion criteria provided. Collection method: clinical testing. Allele origin: germline. Affected: yes. Study: VKGL Data-share Consensus. Not counted in ClinVar's aggregate classification.